The following is an entry in ClinVar:

NM_000355.4(TCN2):c.70C>G (p.Pro24Ala)

Gene: TCN2 (transcobalamin 2; plus strand). Cytogenetic location: 22q12.2.
Variant type: single nucleotide variant.
Coding change: c.70C>G on transcript NM_000355.4 (MANE Select); coding-DNA position 70, C replaced by G.
Protein change: p.Pro24Ala; replaces proline 24 with alanine.
Molecular consequence: missense variant.
Genome position (GRCh38, 1-based): chr22:30,610,876, C>G. VCF-style: chr22-30610876-C-G. GRCh37 (hg19) VCF-style: chr22-31006863-C-G.
Other names: c.70C>G, p.Pro24Ala (NM_001184726.2); short protein forms P24A.
Identifiers: ClinVar variation 1438007 (VCV001438007.5), dbSNP rs755866662, ClinGen allele CA10184485.

ClinVar aggregate classification (germline): Uncertain significance (1 of 4 stars; one submission).

Conditions:
Transcobalamin II deficiency (TCN2D). Also called: Transcolabamin II deficiency; TC II DEFICIENCY; TCN2 DEFICIENCY. Identifiers: Orphanet 859, MedGen C0342701, MONDO:0010149, OMIM 275350.

gnomAD v4.1: 23 of 1,614,000 alleles (0.0014%); highest among the groups gnomAD compares: Non-Finnish European, 0.0019%; no homozygotes.

Submission:

Labcorp Genetics (formerly Invitae), Labcorp
Classification: Uncertain significance for Transcobalamin II deficiency. Last evaluated: 2022-08-01. Review status: criteria provided, single submitter. Criteria: Invitae Variant Classification Sherloc (09022015). Collection method: clinical testing. Allele origin: germline.
Comment: This sequence change replaces proline, which is neutral and non-polar, with alanine, which is neutral and non-polar, at codon 24 of the TCN2 protein (p.Pro24Ala). This variant is present in population databases (rs755866662, gnomAD 0.008%). This variant has not been reported in the literature in individuals affected with TCN2-related conditions. ClinVar contains an entry for this variant (Variation ID: 1438007). Algorithms developed to predict the effect of missense changes on protein structure and function (SIFT, PolyPhen-2, Align-GVGD) all suggest that this variant is likely to be tolerated. Algorithms developed to predict the effect of sequence changes on RNA splicing suggest that this variant may disrupt the consensus splice site. In summary, the available evidence is currently insufficient to determine the role of this variant in disease. Therefore, it has been classified as a Variant of Uncertain Significance.